The following is an entry in ClinVar:

NM_016247.4(IMPG2):c.389G>A (p.Gly130Glu)

Gene: IMPG2 (interphotoreceptor matrix proteoglycan 2; minus strand). Cytogenetic location: 3q12.3.
Variant type: single nucleotide variant.
Coding change: c.389G>A on transcript NM_016247.4 (MANE Select); coding-DNA position 389, G replaced by A.
Protein change: p.Gly130Glu; replaces glycine 130 with glutamic acid.
Molecular consequence: missense variant.
Genome position (GRCh38, 1-based): chr3:101,304,258, C>T on the plus strand (G>A on the coding strand, the complement: IMPG2 is on the minus strand). VCF-style: chr3-101304258-C-T. GRCh37 (hg19) VCF-style: chr3-101023102-C-T.
Other names: c.389G>A (NM_016247.3); short protein forms G130E.
Identifiers: ClinVar variation 1057764 (VCV001057764.9), dbSNP rs1429319626, ClinGen allele CA353851856.

ClinVar aggregate classification (germline): Uncertain significance. Review status: criteria provided, multiple submitters, no conflicts (2 of 4 stars). 2 submissions from 2 submitters: Uncertain significance (2). Last evaluated 2025-05-05.

Conditions:
Inborn genetic diseases. Identifiers: MedGen C0950123, MeSH D030342.

Allele frequency attached by ClinVar (database versions not stated): gnomAD exomes 0.00002 and 0.00001; gnomAD 0.00011 and 0.00010; TOPMed 0.00011.
gnomAD v4.1: 21 of 1,613,796 alleles (0.0013%); highest among the groups gnomAD compares: Admixed American, 0.033%; no homozygotes.

Submissions (2):

Ambry Genetics
Classification: Uncertain significance for Inborn genetic diseases. Last evaluated: 2025-05-05. Review status: criteria provided, single submitter. Criteria: Ambry Variant Classification Scheme 2023. Collection method: clinical testing. Allele origin: germline.

Labcorp Genetics (formerly Invitae), Labcorp
Classification: Uncertain significance. Last evaluated: 2022-10-05. Review status: criteria provided, single submitter. Criteria: Invitae Variant Classification Sherloc (09022015). Collection method: clinical testing. Allele origin: germline.
Comment: Algorithms developed to predict the effect of missense changes on protein structure and function output the following: SIFT: "Tolerated"; PolyPhen-2: "Benign"; Align-GVGD: "Class C0". The glutamic acid amino acid residue is found in multiple mammalian species, which suggests that this missense change does not adversely affect protein function. ClinVar contains an entry for this variant (Variation ID: 1057764). This variant has not been reported in the literature in individuals affected with IMPG2-related conditions. This variant is present in population databases (no rsID available, gnomAD 0.01%). This sequence change replaces glycine, which is neutral and non-polar, with glutamic acid, which is acidic and polar, at codon 130 of the IMPG2 protein (p.Gly130Glu). In summary, the available evidence is currently insufficient to determine the role of this variant in disease. Therefore, it has been classified as a Variant of Uncertain Significance.